The following is an entry in ClinVar:

NM_015192.4(PLCB1):c.2779T>C (p.Tyr927His)

Gene: PLCB1 (phospholipase C beta 1; plus strand). Cytogenetic location: 20p12.3.
Variant type: single nucleotide variant.
Coding change: c.2779T>C on transcript NM_015192.4 (MANE Select); coding-DNA position 2779, T replaced by C.
Protein change: p.Tyr927His; replaces tyrosine 927 with histidine.
Molecular consequence: missense variant.
Genome position (GRCh38, 1-based): chr20:8,765,207, T>C. VCF-style: chr20-8765207-T-C. GRCh37 (hg19) VCF-style: chr20-8745854-T-C.
Other names: c.2779T>C, p.Tyr927His (NM_182734.3); short protein forms Y927H.
Identifiers: ClinVar variation 1053009 (VCV001053009.9), dbSNP rs2123585864, ClinGen allele CA408208633.
Genomic context (GRCh38, chr20:8,765,207, plus strand): 5'-GCACAGACCATCGAAGAACTAAAGCAACAGAAATCGTTTGTGAAACTTCAAAAGAAACAC[T>C]ACAAAGAAATGAAAGACCTGGTTAAGAGACACCACAAGAAAACCACTGACCTTATCAAAG-3'
Protein context (NP_056007.1, residues 917-937): KSFVKLQKKH[Tyr927His]KEMKDLVKRH

ClinVar aggregate classification (germline): Uncertain significance (1 of 4 stars; one submission).

Conditions:
Developmental and epileptic encephalopathy, 12 (DEE12). Identifiers: MedGen C3150988, MONDO:0013389, OMIM 613722.

Submission:

Labcorp Genetics (formerly Invitae), Labcorp
Classification: Uncertain significance for Developmental and epileptic encephalopathy, 12. Last evaluated: 2022-06-01. Review status: criteria provided, single submitter. Criteria: Invitae Variant Classification Sherloc (09022015). Collection method: clinical testing. Allele origin: germline.
Comment: This sequence change replaces tyrosine, which is neutral and polar, with histidine, which is basic and polar, at codon 927 of the PLCB1 protein (p.Tyr927His). This variant is not present in population databases (gnomAD no frequency). This variant has not been reported in the literature in individuals affected with PLCB1-related conditions. ClinVar contains an entry for this variant (Variation ID: 1053009). Algorithms developed to predict the effect of missense changes on protein structure and function (SIFT, PolyPhen-2, Align-GVGD) all suggest that this variant is likely to be tolerated. In summary, the available evidence is currently insufficient to determine the role of this variant in disease. Therefore, it has been classified as a Variant of Uncertain Significance.